The following is an entry in ClinVar:

ClinVar aggregate classification (germline): Uncertain significance (1 of 4 stars; one submission).

Conditions:
Charcot-Marie-Tooth disease axonal type 2U. Also called: CHARCOT-MARIE-TOOTH NEUROPATHY, TYPE 2U; CHARCOT-MARIE-TOOTH DISEASE, AXONAL, AUTOSOMAL DOMINANT, TYPE 2U. Identifiers: Orphanet 397735, MedGen C4084821, MONDO:0014566, OMIM 616280.
Severe early-onset pulmonary alveolar proteinosis due to MARS deficiency. Also called: PULMONARY ALVEOLAR PROTEINOSIS, REUNION ISLAND; Interstitial lung and liver disease. Identifiers: Orphanet 440427, MedGen C4225400, MONDO:0014206, OMIM 615486.

Submission:

Labcorp Genetics (formerly Invitae), Labcorp
Classification: Uncertain significance for Charcot-Marie-Tooth disease axonal type 2U; Severe early-onset pulmonary alveolar proteinosis due to MARS deficiency. Last evaluated: 2022-08-04. Review status: criteria provided, single submitter. Criteria: Invitae Variant Classification Sherloc (09022015). Collection method: clinical testing. Allele origin: germline.
Comment: This sequence change replaces alanine, which is neutral and non-polar, with threonine, which is neutral and polar, at codon 89 of the MARS protein (p.Ala89Thr). This variant is not present in population databases (gnomAD no frequency). In summary, the available evidence is currently insufficient to determine the role of this variant in disease. Therefore, it has been classified as a Variant of Uncertain Significance. This variant has not been reported in the literature in individuals affected with MARS-related conditions. Algorithms developed to predict the effect of missense changes on protein structure and function output the following: SIFT: "Tolerated"; PolyPhen-2: "Benign"; Align-GVGD: "Class C0". The threonine amino acid residue is found in multiple mammalian species, which suggests that this missense change does not adversely affect protein function.

NM_004990.4(MARS1):c.265G>A (p.Ala89Thr)

Gene: MARS1 (methionyl-tRNA synthetase 1; plus strand). Cytogenetic location: 12q13.3.
Variant type: single nucleotide variant.
Coding change: c.265G>A on transcript NM_004990.4 (MANE Select); coding-DNA position 265, G replaced by A.
Protein change: p.Ala89Thr; replaces alanine 89 with threonine.
Molecular consequence: missense variant.
Genome position (GRCh38, 1-based): chr12:57,489,331, G>A. VCF-style: chr12-57489331-G-A. GRCh37 (hg19) VCF-style: chr12-57883114-G-A.
Other names: short protein forms A89T.
Identifiers: ClinVar variation 1946571 (VCV001946571.5), dbSNP rs2540256081, ClinGen allele CA385490916.